The following is an entry in ClinVar:

ClinVar aggregate classification (germline): Uncertain significance. Review status: criteria provided, multiple submitters, no conflicts (2 of 4 stars). 2 submissions from 2 submitters: Uncertain significance (2). Last evaluated 2023-05-11.

Allele frequency attached by ClinVar (database versions not stated): gnomAD exomes below 0.00001; TOPMed below 0.00001.
gnomAD v4.1: 1 of 1,614,162 alleles (0.000062%); highest among the groups gnomAD compares: Admixed American, 0.0017%; no homozygotes.

Submissions (2):

GeneDx
Classification: Uncertain significance. Last evaluated: 2023-05-11. Review status: criteria provided, single submitter. Criteria: GeneDx Variant Classification Process June 2021. Collection method: clinical testing. Allele origin: germline. Affected: yes.
Comment: Not observed at significant frequency in large population cohorts (gnomAD); In silico analysis supports that this missense variant has a deleterious effect on protein structure/function; Has not been previously published as pathogenic or benign to our knowledge

Labcorp Genetics (formerly Invitae), Labcorp
Classification: Uncertain significance. Last evaluated: 2022-03-11. Review status: criteria provided, single submitter. Criteria: Invitae Variant Classification Sherloc (09022015). Collection method: clinical testing. Allele origin: germline.
Comment: This sequence change replaces serine, which is neutral and polar, with phenylalanine, which is neutral and non-polar, at codon 1171 of the MTOR protein (p.Ser1171Phe). This variant is not present in population databases (gnomAD no frequency). This variant has not been reported in the literature in individuals affected with MTOR-related conditions. Advanced modeling of protein sequence and biophysical properties (such as structural, functional, and spatial information, amino acid conservation, physicochemical variation, residue mobility, and thermodynamic stability) performed at Invitae indicates that this missense variant is not expected to disrupt MTOR protein function. In summary, the available evidence is currently insufficient to determine the role of this variant in disease. Therefore, it has been classified as a Variant of Uncertain Significance.

NM_004958.4(MTOR):c.3512C>T (p.Ser1171Phe)

Gene: MTOR (mechanistic target of rapamycin kinase; minus strand). Cytogenetic location: 1p36.22.
Variant type: single nucleotide variant.
Coding change: c.3512C>T on transcript NM_004958.4 (MANE Select); coding-DNA position 3512, C replaced by T.
Protein change: p.Ser1171Phe; replaces serine 1171 with phenylalanine.
Molecular consequence: missense variant.
Genome position (GRCh38, 1-based): chr1:11,212,361, G>A on the plus strand (C>T on the coding strand, the complement: MTOR is on the minus strand). VCF-style: chr1-11212361-G-A. GRCh37 (hg19) VCF-style: chr1-11272418-G-A.
Other names: c.3512C>T, p.Ser1171Phe (NM_001386500.1); c.2264C>T, p.Ser755Phe (NM_001386501.1); short protein forms S1171F, S755F.
Identifiers: ClinVar variation 1957043 (VCV001957043.6), dbSNP rs1646339995, ClinGen allele CA338372884.